The following is an entry in ClinVar:

ClinVar aggregate classification (germline): Uncertain significance (1 of 4 stars; one submission).

Conditions:
Hereditary cancer-predisposing syndrome. Also called: Neoplastic Syndromes, Hereditary; Tumor predisposition; Hereditary Cancer Syndrome; Hereditary neoplastic syndrome. Identifiers: Orphanet 140162, MedGen C0027672, MeSH D009386, MONDO:0015356.

Submission:

Ambry Genetics
Classification: Uncertain significance for Hereditary cancer-predisposing syndrome. Last evaluated: 2020-09-29. Review status: criteria provided, single submitter. Criteria: Ambry Variant Classification Scheme 2023. Collection method: clinical testing. Allele origin: germline.
Comment: The c.378G>A variant (also known as p.K126K), located in coding exon 2 of the NTHL1 gene, results from a G to A substitution at nucleotide position 378. This nucleotide substitution does not change the lysine at codon 126. However, this change occurs in the last base pair of coding exon 2, which makes it likely to have some effect on normal mRNA splicing. This nucleotide position is well conserved in available vertebrate species. In silico splice site analysis predicts that this alteration will weaken the native splice donor site. Since supporting evidence is limited at this time, the clinical significance of this alteration remains unclear.

NM_002528.7(NTHL1):c.354G>A (p.Lys118=)

Gene: NTHL1 (nth like DNA glycosylase 1; minus strand). Cytogenetic location: 16p13.3.
Variant type: single nucleotide variant.
Coding change: c.354G>A on transcript NM_002528.7 (MANE Select); coding-DNA position 354, G replaced by A.
Protein change: p.Lys118=; no amino-acid change (lysine 118 retained).
Molecular consequence: synonymous variant. On other transcripts: intron variant (1).
Genome position (GRCh38, 1-based): chr16:2,046,128, C>T on the plus strand (G>A on the coding strand, the complement: NTHL1 is on the minus strand). VCF-style: chr16-2046128-C-T. GRCh37 (hg19) VCF-style: chr16-2096129-C-T.
Other names: c.354G>A, p.Lys118= (NM_001318193.2); c.24+152G>A (NM_001318194.2).
Identifiers: ClinVar variation 1734932 (VCV001734932.2), dbSNP rs2548319041, ClinGen allele CA492953169.